The following is an entry in ClinVar:

NM_002334.4(LRP4):c.2835C>T (p.Leu945=)

Gene: LRP4 (LDL receptor related protein 4; minus strand). Cytogenetic location: 11p11.2.
Variant type: single nucleotide variant.
Coding change: c.2835C>T on transcript NM_002334.4 (MANE Select); coding-DNA position 2835, C replaced by T.
Protein change: p.Leu945=; no amino-acid change (leucine 945 retained).
Molecular consequence: synonymous variant.
Genome position (GRCh38, 1-based): chr11:46,879,295, G>A on the plus strand (C>T on the coding strand, the complement: LRP4 is on the minus strand). VCF-style: chr11-46879295-G-A. GRCh37 (hg19) VCF-style: chr11-46900846-G-A.
Identifiers: ClinVar variation 623770 (VCV000623770.31), dbSNP rs201362411, ClinGen allele CA474045358.

ClinVar aggregate classification (germline): Likely benign. Review status: criteria provided, multiple submitters, no conflicts (2 of 4 stars). 2 submissions from 2 submitters: Likely benign (2). Last evaluated 2025-03-31.

Conditions:
Sclerosteosis 2 (SOST2). Identifiers: Orphanet 3152, MedGen C3280402, MONDO:0013679, OMIM 614305.
Cenani-Lenz syndactyly syndrome. Also called: SYNDACTYLY, TYPE VII; CENANI SYNDACTYLISM. Identifiers: Orphanet 3258, MedGen C1859309, MONDO:0008931, OMIM 212780.
Congenital myasthenic syndrome 17. Identifiers: Orphanet 590, MedGen C4225377, MONDO:0014578, OMIM 616304.

Allele frequency attached by ClinVar (database versions not stated): gnomAD 0.00001; TOPMed 0.00001.
gnomAD v4.1: 11 of 1,614,030 alleles (0.00068%); highest among the groups gnomAD compares: Non-Finnish European, 0.00093%; no homozygotes.

Submissions (2):

Labcorp Genetics (formerly Invitae), Labcorp
Classification: Likely benign for Cenani-Lenz syndactyly syndrome; Sclerosteosis 2; Congenital myasthenic syndrome 17. Last evaluated: 2025-03-31. Review status: criteria provided, single submitter. Criteria: Invitae Variant Classification Sherloc (09022015). Collection method: clinical testing. Allele origin: germline.

CeGaT Center for Human Genetics Tuebingen
Classification: Likely benign. Last evaluated: 2023-11-01. Review status: criteria provided, single submitter. Criteria: CeGaT Center For Human Genetics Tuebingen Variant Classification Criteria Version 2. Collection method: clinical testing. Allele origin: germline. Affected: yes. Observed: 1 variant allele.
Comment: LRP4: BP4, BP7